The following is an entry in ClinVar:

NM_001142800.2(EYS):c.3799G>T (p.Glu1267Ter)

Gene: EYS (EGF-like photoreceptor maintenance factor; minus strand). Cytogenetic location: 6q12.
Variant type: single nucleotide variant.
Coding change: c.3799G>T on transcript NM_001142800.2 (MANE Select); coding-DNA position 3799, G replaced by T.
Protein change: p.Glu1267Ter; replaces glutamic acid 1267 with a stop codon.
Molecular consequence: nonsense.
Genome position (GRCh38, 1-based): chr6:64,593,195, C>A on the plus strand (G>T on the coding strand, the complement: EYS is on the minus strand). VCF-style: chr6-64593195-C-A. GRCh37 (hg19) VCF-style: chr6-65303088-C-A.
Other names: c.3799G>T, p.Glu1267Ter (NM_001292009.2); short protein forms E1267*.
Identifiers: ClinVar variation 1397642 (VCV001397642.6), dbSNP rs1704195448, ClinGen allele CA364784705.

ClinVar aggregate classification (germline): Pathogenic (1 of 4 stars; one submission).

Submission:

Labcorp Genetics (formerly Invitae), Labcorp
Classification: Pathogenic. Last evaluated: 2021-06-27. Review status: criteria provided, single submitter. Criteria: Invitae Variant Classification Sherloc (09022015). Collection method: clinical testing. Allele origin: germline.
Comment: This variant is not present in population databases (ExAC no frequency). For these reasons, this variant has been classified as Pathogenic. This variant has not been reported in the literature in individuals with EYS-related conditions. This sequence change creates a premature translational stop signal (p.Glu1267*) in the EYS gene. It is expected to result in an absent or disrupted protein product. Loss-of-function variants in EYS are known to be pathogenic (PMID: 18836446, 20333770).

Literature cited by the submitters: PubMed 18836446; PubMed 20333770.